The following is an entry in ClinVar:

ClinVar aggregate classification (germline): Uncertain significance (1 of 4 stars; one submission).

Conditions:
Inborn genetic diseases. Identifiers: MedGen C0950123, MeSH D030342.

Allele frequency attached by ClinVar (database versions not stated): gnomAD exomes below 0.00001; TOPMed below 0.00001.
gnomAD v4.1: 2 of 1,614,156 alleles (0.00012%); highest among the groups gnomAD compares: Admixed American, 0.0017%; no homozygotes.

Submission:

Ambry Genetics
Classification: Uncertain significance for Inborn genetic diseases. Last evaluated: 2017-01-24. Review status: criteria provided, single submitter. Criteria: Ambry Variant Classification Scheme 2023. Collection method: clinical testing. Allele origin: germline.
Comment: The p.S528G variant (also known as c.1582A>G), located in coding exon 9 of the SATB2 gene, results from an A to G substitution at nucleotide position 1582. The serine at codon 528 is replaced by glycine, an amino acid with similar properties. This amino acid position is well conserved in available vertebrate species. In addition, this alteration is predicted to be tolerated by in silico analysis. Since supporting evidence is limited at this time, the clinical significance of this alteration remains unclear.

NM_001172509.2(SATB2):c.1582A>G (p.Ser528Gly)

Gene: SATB2 (SATB homeobox 2; minus strand). Cytogenetic location: 2q33.1.
Variant type: single nucleotide variant.
Coding change: c.1582A>G on transcript NM_001172509.2 (MANE Select); coding-DNA position 1582, A replaced by G.
Protein change: p.Ser528Gly; replaces serine 528 with glycine.
Molecular consequence: missense variant.
Genome position (GRCh38, 1-based): chr2:199,308,918, T>C on the plus strand (A>G on the coding strand, the complement: SATB2 is on the minus strand). VCF-style: chr2-199308918-T-C. GRCh37 (hg19) VCF-style: chr2-200173641-T-C.
Other names: c.1582A>G, p.Ser528Gly (NM_001172517.1, NM_015265.4); short protein forms S528G.
Identifiers: ClinVar variation 588708 (VCV000588708.5), dbSNP rs1490098266, ClinGen allele CA350384601.